The following is an entry in ClinVar:

NM_000548.5(TSC2):c.4545C>G (p.Asn1515Lys)

Gene: TSC2 (TSC complex subunit 2; plus strand). Cytogenetic location: 16p13.3.
Variant type: single nucleotide variant.
Coding change: c.4545C>G on transcript NM_000548.5 (MANE Select); coding-DNA position 4545, C replaced by G.
Protein change: p.Asn1515Lys; replaces asparagine 1515 with lysine.
Molecular consequence: missense variant. On other transcripts: non-coding transcript variant (5).
Genome position (GRCh38, 1-based): chr16:2,085,002, C>G. VCF-style: chr16-2085002-C-G. GRCh37 (hg19) VCF-style: chr16-2135003-C-G.
Other names: c.4344C>G, p.Asn1448Lys (NM_001077183.3); c.4476C>G, p.Asn1492Lys (NM_001114382.3); c.4236C>G, p.Asn1412Lys (NM_001318827.2); c.4200C>G, p.Asn1400Lys (NM_001318829.2); c.3813C>G, p.Asn1271Lys (NM_001318831.2); c.4377C>G, p.Asn1459Lys (NM_001318832.2); c.4347C>G, p.Asn1449Lys (NM_001363528.2); c.4413C>G, p.Asn1471Lys (NM_001370404.1); and 26 more; short protein forms N1023K, N1248K, N1249K, N1292K, N1000K, N1001K, N1024K, N1044K.
Identifiers: ClinVar variation 4708413 (VCV004708413.2).
Genomic context (GRCh38, chr16:2,085,002, plus strand): 5'-CCTGTGCAGTTTCGTGTTCCTGCAGCTCTACCATTCCCCCTTCTTTGGCGACGAGTCAAA[C>G]AAGCCAATCCTGCTGCCCAATGAGGTAGGCGTGGCCTCCCTCTCCTGCATCCGCTGGAGC-3'
Protein context (NP_000539.2, residues 1505-1525): YHSPFFGDES[Asn1515Lys]KPILLPNESQ

ClinVar aggregate classification (germline): Uncertain significance. Review status: criteria provided, multiple submitters, no conflicts (2 of 4 stars). 2 submissions from 2 submitters: Uncertain significance (2). Last evaluated 2025-04-29.

Conditions:
Tuberous sclerosis 2 (TSC2). Identifiers: Orphanet 805, MedGen C1860707, MONDO:0013199, OMIM 613254.

Submissions (2):

Labcorp Genetics (formerly Invitae), Labcorp
Classification: Uncertain significance for Tuberous sclerosis 2. Last evaluated: 2025-04-29. Review status: criteria provided, single submitter. Criteria: Invitae Variant Classification Sherloc (09022015). Collection method: clinical testing. Allele origin: germline.
Comment: This sequence change replaces asparagine, which is neutral and polar, with lysine, which is basic and polar, at codon 1515 of the TSC2 protein (p.Asn1515Lys). This variant is not present in population databases (gnomAD no frequency). This variant has not been reported in the literature in individuals affected with TSC2-related conditions. Invitae Evidence Modeling of protein sequence and biophysical properties (such as structural, functional, and spatial information, amino acid conservation, physicochemical variation, residue mobility, and thermodynamic stability) indicates that this missense variant is not expected to disrupt TSC2 protein function with a negative predictive value of 95%. In summary, the available evidence is currently insufficient to determine the role of this variant in disease. Therefore, it has been classified as a Variant of Uncertain Significance.

Blueprint Genetics
Classification: Uncertain significance. Last evaluated: 2022-04-08. Review status: criteria provided, single submitter. Criteria: ACMG Guidelines, 2015. Collection method: clinical testing. Allele origin: germline.